The following is an entry in ClinVar:

NM_000492.4(CFTR):c.137C>T (p.Ala46Val)

Gene: CFTR (CF transmembrane conductance regulator; plus strand). Cytogenetic location: 7q31.2.
Variant type: single nucleotide variant.
Coding change: c.137C>T on transcript NM_000492.4 (MANE Select); coding-DNA position 137, C replaced by T.
Protein change: p.Ala46Val; replaces alanine 46 with valine.
Molecular consequence: missense variant.
Genome position (GRCh38, 1-based): chr7:117,504,336, C>T. VCF-style: chr7-117504336-C-T. GRCh37 (hg19) VCF-style: chr7-117144390-C-T.
Other names: p.Ala46Val; short protein forms A46V.
Identifiers: ClinVar variation 593277 (VCV000593277.32), dbSNP rs151020603, ClinGen allele CA4450646.

ClinVar aggregate classification (germline): Uncertain significance. Review status: criteria provided, multiple submitters, no conflicts (2 of 4 stars). 13 submissions from 12 submitters: Uncertain significance (12). 1 of the submissions does not count toward it. Last evaluated 2026-06-23.

Conditions:
Congenital bilateral aplasia of vas deferens from CFTR mutation (CBAVD). Identifiers: Orphanet 48, MedGen C0403814, MONDO:0010178, OMIM 277180. Disease mechanism: loss of function.
CFTR-related disorder (CFTR-RD). Also called: CFTR-related disorders; CFTR-related condition. Identifiers: MedGen C5924204, MONDO:7770004.
Cystic fibrosis (CF). Also called: MUCOVISCIDOSIS. Identifiers: Orphanet 586, MedGen C0010674, MONDO:0009061, OMIM 219700. Disease mechanism: loss of function.

Allele frequency attached by ClinVar (database versions not stated): 1000 Genomes Project 0.00020; ESP Exome Variant Server 0.00023; 1000 Genomes Project 30x 0.00031; gnomAD exomes 0.00001 and 0.00003; ExAC 0.00004; gnomAD 0.00009; TOPMed 0.00012.
gnomAD v4.1: 26 of 1,600,604 alleles (0.0016%); highest among the groups gnomAD compares: African/African-American, 0.032%; no homozygotes.

Submissions (13):

PreventionGenetics, part of Exact Sciences
Classification: Uncertain significance for CFTR-related condition. Last evaluated: 2026-06-23. Review status: criteria provided, single submitter. Criteria: ACMG Guidelines, 2015. Collection method: clinical testing. Allele origin: germline.
Comment: The CFTR c.137C>T variant is predicted to result in the amino acid substitution p.Ala46Val. This variant has been reported heterozygous in an individual with cystic fibrosis; however, no additional evidence was provided to help assess pathogenicity (da Silva Filho et al. 2020. PubMed ID: 32819855). This variant is reported in 0.048% of alleles in individuals of African descent in gnomAD. At this time, the clinical significance of this variant is uncertain due to the absence of conclusive functional and genetic evidence.

Women's Health and Genetics/Laboratory Corporation of America, LabCorp
Classification: Uncertain significance. Last evaluated: 2025-08-11. Review status: criteria provided, single submitter. Criteria: LabCorp Variant Classification Summary - May 2015. Collection method: clinical testing. Allele origin: germline.
Comment: Variant summary: CFTR c.137C>T (p.Ala46Val) results in a non-conservative amino acid change in the encoded protein sequence. Algorithms developed to predict the effect of missense changes on protein structure and function all suggest that this variant is likely to be disruptive. The variant allele was found at a frequency of 3.2e-05 in 250758 control chromosomes. The available data on variant occurrences in the general population are insufficient to allow any conclusion about variant significance. c.137C>T has been reported in the literature as a non-informative genotype (second allele not specified) in at-least one individual reportedly affected with Cystic Fibrosis (example, daSilvaFilho_2021). These report(s) do not provide unequivocal conclusions about association of the variant with Cystic Fibrosis. To our knowledge, no experimental evidence demonstrating an impact on protein function has been reported. A different variant located at the same codon (c.137C>A, p.Ala46Asp) has been classified as pathogenic, however, current evidence is insufficient to determine the effect of p.Ala46Val on protein function. The following publication has been ascertained in the context of this evaluation (PMID: 32819855). ClinVar contains an entry for this variant (Variation ID: 593277). Based on the evidence outlined above, the variant was classified as uncertain significance.

Labcorp Genetics (formerly Invitae), Labcorp
Classification: Uncertain significance for Cystic fibrosis. Last evaluated: 2024-10-27. Review status: criteria provided, single submitter. Criteria: Invitae Variant Classification Sherloc (09022015). Collection method: clinical testing. Allele origin: germline.
Comment: This sequence change replaces alanine, which is neutral and non-polar, with valine, which is neutral and non-polar, at codon 46 of the CFTR protein (p.Ala46Val). This variant is present in population databases (rs151020603, gnomAD 0.05%). This missense change has been observed in individual(s) with cystic fibrosis (PMID: 32819855). ClinVar contains an entry for this variant (Variation ID: 593277). Invitae Evidence Modeling of protein sequence and biophysical properties (such as structural, functional, and spatial information, amino acid conservation, physicochemical variation, residue mobility, and thermodynamic stability) indicates that this missense variant is expected to disrupt CFTR protein function with a positive predictive value of 80%. In summary, the available evidence is currently insufficient to determine the role of this variant in disease. Therefore, it has been classified as a Variant of Uncertain Significance.

Ambry Genetics
Classification: Uncertain significance for Cystic fibrosis. Last evaluated: 2024-08-06. Review status: criteria provided, single submitter. Criteria: Ambry Variant Classification Scheme 2023. Collection method: clinical testing. Allele origin: germline.
Comment: The p.A46V variant (also known as c.137C>T), located in coding exon 2 of the CFTR gene, results from a C to T substitution at nucleotide position 137. The alanine at codon 46 is replaced by valine, an amino acid with similar properties. This amino acid position is highly conserved in available vertebrate species. In addition, the in silico prediction for this alteration is inconclusive. Based on the available evidence, the clinical significance of this variant remains unclear.

Mendelics
Classification: Uncertain significance for Cystic fibrosis. Last evaluated: 2023-12-21. Review status: criteria provided, single submitter. Criteria: Mendelics Assertion Criteria 2017. Collection method: clinical testing. Allele origin: unknown. Affected: yes.

ARUP Laboratories, Molecular Genetics and Genomics, ARUP Laboratories
Classification: Uncertain significance. Last evaluated: 2022-03-01. Review status: criteria provided, single submitter. Criteria: ARUP Molecular Germline Variant Investigation Process 2021. Collection method: clinical testing. Allele origin: germline.
Comment: The CFTR c.137C>T; p.Ala46Val variant (rs151020603), to our knowledge, is not reported in the medical literature but is reported in the SickKids CFTR database in an individual with a positive newborn screen (see link). This variant is reported in ClinVar (Variation ID: 593277) and is found in the African population with an allele frequency of 0.05% (12/24960 alleles) in the Genome Aggregation Database. Additionally, another variant at this codon (c.137C>A, p.Ala46Asp) have been reported in individuals with cystic fibrosis and is considered pathogenic (Tzetis 1995, Van Goor 2014). The alanine at codon 46 is highly conserved, but computational analyses are uncertain whether this variant is neutral or deleterious (REVEL: 0.468). However, given the lack of clinical and functional data, the significance of the p.Ala46Val variant is uncertain at this time. References: SickKids CFTR database: Tzetis M et al. Identification of two novel mutations (296 + 1G-C and A46D) in exon 2 of the CFTR gene in Greek cystic fibrosis patients. Mol Cell Probes. 1995 Aug;9(4):283-5. PMID: 7477025. Van Goor F et al. Effect of ivacaftor on CFTR forms with missense mutations associated with defects in protein processing or function. J Cyst Fibros. 2014 Jan;13(1):29-36.PMID: 23891399.

Genome-Nilou Lab
Classification: Uncertain significance for Cystic fibrosis. Last evaluated: 2021-07-22. Review status: criteria provided, single submitter. Criteria: ACMG Guidelines, 2015. Collection method: clinical testing. Allele origin: germline. Affected: no.

Genome-Nilou Lab
Classification: Uncertain significance for Congenital bilateral aplasia of vas deferens from CFTR mutation. Last evaluated: 2021-07-22. Review status: criteria provided, single submitter. Criteria: ACMG Guidelines, 2015. Collection method: clinical testing. Allele origin: germline. Affected: no.

Mayo Clinic Laboratories, Mayo Clinic
Classification: Uncertain significance. Last evaluated: 2021-06-11. Review status: criteria provided, single submitter. Criteria: ACMG Guidelines, 2015. Collection method: clinical testing. Allele origin: germline.

Johns Hopkins Genomics, Johns Hopkins University
Classification: Uncertain significance for Cystic fibrosis. Last evaluated: 2019-10-19. Review status: criteria provided, single submitter. Criteria: ACMG Guidelines, 2015. Collection method: clinical testing. Allele origin: germline.
Comment: CFTR c.137C>T has not been reported in the literature, to our knowledge. This CFTR variant (rs151020603) is rare (<0.1%) in a large population dataset1 (gnomAD: 12/282150 total alleles; 0.004%; no homozygotes). There are conflicting interpretations of the pathogenicity of this variant in ClinVar. Three submitters classified it as a variant of uncertain clinical significance and one as likely pathogenic. Two bioinformatic tools queried predict that this substitution would be damaging, and the alanine residue at this position is highly evolutionarily conserved across all species assessed. This variant is located within the same residue as p.Ala46Asp, a previously reported alternate pathogenic missense variant. We consider the clinical significance of c.137C>T uncertain at this time.

Blueprint Genetics
Classification: Uncertain significance. Last evaluated: 2019-06-07. Review status: criteria provided, single submitter. Criteria: ACMG Guidelines, 2015. Collection method: clinical testing. Allele origin: germline.

Eurofins Ntd Llc (ga)
Classification: Uncertain significance. Last evaluated: 2018-09-04. Review status: criteria provided, single submitter. Criteria: EGL ClinVar v180209 classification definitions. Collection method: clinical testing. Allele origin: germline. Observed: 2 variant alleles, 2 heterozygotes.

Natera, Inc.
Classification: Uncertain significance for Cystic Fibrosis. Last evaluated: 2020-09-16. Review status: no assertion criteria provided. Collection method: clinical testing. Allele origin: germline. Not counted in ClinVar's aggregate classification.

Literature cited by the submitters: PubMed 32819855 (cited by Women's Health and Genetics/Laboratory Corporation of America, LabCorp and Labcorp Genetics (formerly Invitae), Labcorp).